The following is an entry in ClinVar:

ClinVar aggregate classification (germline): Pathogenic (1 of 4 stars; one submission).

Submission:

Ambry Genetics
Classification: Pathogenic. Last evaluated: 2025-03-11. Review status: criteria provided, single submitter. Criteria: Ambry Variant Classification Scheme 2023. Collection method: clinical testing. Allele origin: germline.
Comment: The c.2015_2016delAG (p.Q672Rfs*12) alteration, located in coding exon 17 of the GIGYF1 gene, consists of a deletion of 2 nucleotides from position 2015 to 2016, causing a translational frameshift with a predicted alternate stop codon after 12 amino acids. This alteration is expected to result in loss of function by premature protein truncation or nonsense-mediated mRNA decay. This variant was not reported in population-based cohorts in the Genome Aggregation Database (gnomAD). Based on the available evidence, this alteration is classified as pathogenic.

NM_001375765.1(GIGYF1):c.2015_2016del (p.Gln672fs)

Gene: GIGYF1 (GRB10 interacting GYF protein 1; minus strand). Cytogenetic location: 7q22.1.
Variant type: Deletion.
Coding change: c.2015_2016del on transcript NM_001375765.1 (MANE Select); coding-DNA positions 2015 to 2016, 2 bases deleted (AG; older notation c.2015_2016delAG).
Protein change: p.Gln672fs; shifts the reading frame from glutamine 672.
Molecular consequence: frameshift variant. On other transcripts: non-coding transcript variant (1).
Genome position (GRCh38, 1-based): chr7:100,683,586-100,683,587, CT deleted on the plus strand (AG on the coding strand, the reverse complement: GIGYF1 is on the minus strand). VCF-style (leftmost placement, unchanged base first): chr7-100683585-CCT-C. GRCh37 (hg19) VCF-style: chr7-100281208-CCT-C.
Other names: NM_022574.4:c.2015_2016delAG; c.2015_2016del, p.Gln672fs (NM_001375759.1, NM_001375760.1, NM_001375761.1 and 6 more transcripts); short protein forms Q672fs.
Identifiers: ClinVar variation 3853959 (VCV003853959.1).